The following is an entry in ClinVar:

ClinVar aggregate classification (germline): Pathogenic (1 of 4 stars; one submission).

Conditions:
Nemaline myopathy 2 (NEM2). Also called: Nemaline myopathy 2, autosomal recessive. Identifiers: MedGen C1850569, MONDO:0009725, OMIM 256030.

Submission:

Labcorp Genetics (formerly Invitae), Labcorp
Classification: Pathogenic for Nemaline myopathy 2. Last evaluated: 2022-03-01. Review status: criteria provided, single submitter. Criteria: Invitae Variant Classification Sherloc (09022015). Collection method: clinical testing. Allele origin: germline.
Comment: For these reasons, this variant has been classified as Pathogenic. This variant has not been reported in the literature in individuals affected with NEB-related conditions. This variant is not present in population databases (gnomAD no frequency). This sequence change creates a premature translational stop signal (p.Pro8276Argfs*6) in the NEB gene. It is expected to result in an absent or disrupted protein product. Loss-of-function variants in NEB are known to be pathogenic (PMID: 25205138).

Literature cited by the submitters: PubMed 25205138.

NM_001164508.2(NEB):c.24722_24723del (p.Pro8241fs)

Genes: NEB (nebulin; minus strand), RIF1 (replication timing regulatory factor 1; plus strand). Cytogenetic location: 2q23.3.
Variant type: Deletion.
Coding change: c.24722_24723del on transcript NM_001164508.2 (MANE Select); coding-DNA positions 24722 to 24723, 2 bases deleted (CA; older notation c.24722_24723delCA).
Protein change: p.Pro8241fs; shifts the reading frame from proline 8241.
Molecular consequence: frameshift variant.
Genome position (GRCh38, 1-based): chr2:151,493,395-151,493,396, TG deleted on the plus strand (CA on the coding strand, the reverse complement: NEB is on the minus strand). VCF-style (leftmost placement, unchanged base first): chr2-151493394-CTG-C. GRCh37 (hg19) VCF-style: chr2-152349908-CTG-C.
Other names: c.24722_24723del, p.Pro8241fs (NM_001164507.2); c.24827_24828del, p.Pro8276fs (NM_001271208.2); c.19154_19155del, p.Pro6385fs (NM_004543.5); short protein forms P6385fs, P8276fs, P8241fs.
Identifiers: ClinVar variation 2105234 (VCV002105234.4), dbSNP rs2551726251, ClinGen allele CA2580063873.